The following is an entry in ClinVar:

ClinVar aggregate classification (germline): Uncertain significance (1 of 4 stars; one submission).

Conditions:
Malignant hyperthermia, susceptibility to, 1 (MHS1). Also called: Anesthesia related hyperthermia; Malignant hyperpyrexia; Fulminating hyperpyrexia; Pharmacogenic myopathy; Malignant hyperthermia suceptibility 1; RYR1-Related Malignant Hyperthermia Susceptibility. Identifiers: Orphanet 423, MedGen C2930980, MONDO:0007783, OMIM 145600.

Submission:

All of Us Research Program, National Institutes of Health
Classification: Uncertain significance for Malignant hyperthermia, susceptibility to, 1. Last evaluated: 2024-03-05. Review status: criteria provided, single submitter. Criteria: ACMG Guidelines, 2015. Collection method: clinical testing. Allele origin: germline. Inheritance: Autosomal dominant inheritance. Observed: 1 variant allele, 1 heterozygote.
Comment: This study involves interpretation of variants in research participants for the purpose of population health screening. Participant phenotype was not available at the time of variant classification. Additional details can be found in publication PMID: 35346344, PMCID: PMC8962531

NM_000540.3(RYR1):c.7759T>A (p.Tyr2587Asn)

Gene: RYR1 (ryanodine receptor 1; plus strand). Cytogenetic location: 19q13.2.
Variant type: single nucleotide variant.
Coding change: c.7759T>A on transcript NM_000540.3 (MANE Select); coding-DNA position 7759, T replaced by A.
Protein change: p.Tyr2587Asn; replaces tyrosine 2587 with asparagine.
Molecular consequence: missense variant.
Genome position (GRCh38, 1-based): chr19:38,502,651, T>A. VCF-style: chr19-38502651-T-A. GRCh37 (hg19) VCF-style: chr19-38993291-T-A.
Other names: c.7759T>A, p.Tyr2587Asn (NM_001042723.2); short protein forms Y2587N.
Identifiers: ClinVar variation 3385452 (VCV003385452.1).